The following is an entry in ClinVar:

NM_052947.4(ALPK2):c.5708A>C (p.Asp1903Ala)

Gene: ALPK2 (alpha kinase 2; minus strand). Cytogenetic location: 18q21.31.
Variant type: single nucleotide variant.
Coding change: c.5708A>C on transcript NM_052947.4 (MANE Select); coding-DNA position 5708, A replaced by C.
Protein change: p.Asp1903Ala; replaces aspartic acid 1903 with alanine.
Molecular consequence: missense variant.
Genome position (GRCh38, 1-based): chr18:58,517,140, T>G on the plus strand (A>C on the coding strand, the complement: ALPK2 is on the minus strand). VCF-style: chr18-58517140-T-G. GRCh37 (hg19) VCF-style: chr18-56184372-T-G.
Other names: short protein forms D1903A.
Identifiers: ClinVar variation 1749193 (VCV001749193.2), dbSNP rs746962671, ClinGen allele CA402549202.

ClinVar aggregate classification (germline): Uncertain significance (1 of 4 stars; one submission).

Allele frequency attached by ClinVar (database versions not stated): gnomAD 0.00001.

Submission:

Ambry Genetics
Classification: Uncertain significance. Last evaluated: 2022-07-07. Review status: criteria provided, single submitter. Criteria: Ambry Variant Classification Scheme 2023. Collection method: clinical testing. Allele origin: germline.
Comment: The p.D1903A variant (also known as c.5708A>C), located in coding exon 8 of the ALPK2 gene, results from an A to C substitution at nucleotide position 5708. The aspartic acid at codon 1903 is replaced by alanine, an amino acid with dissimilar properties. This amino acid position is conserved. In addition, the in silico prediction for this alteration is inconclusive. Since supporting evidence is limited at this time, the clinical significance of this alteration remains unclear.